The following is an entry in ClinVar:

ClinVar aggregate classification (germline): Uncertain significance (1 of 4 stars; one submission).

Conditions:
ALG9 congenital disorder of glycosylation (CDG1L). Also called: CONGENITAL DISORDER OF GLYCOSYLATION, TYPE Il; ALG9-CDG; CDG Il. Identifiers: Orphanet 79328, MedGen C2931006, MONDO:0012117, OMIM 608776.

Allele frequency attached by ClinVar (database versions not stated): gnomAD exomes below 0.00001.
gnomAD v4.1: 2 of 1,614,116 alleles (0.00012%); highest among the groups gnomAD compares: Non-Finnish European, 0.00017%; no homozygotes.

Submission:

Labcorp Genetics (formerly Invitae), Labcorp
Classification: Uncertain significance for ALG9 congenital disorder of glycosylation. Last evaluated: 2024-07-29. Review status: criteria provided, single submitter. Criteria: Invitae Variant Classification Sherloc (09022015). Collection method: clinical testing. Allele origin: germline.
Comment: This sequence change replaces glutamic acid, which is acidic and polar, with lysine, which is basic and polar, at codon 615 of the ATP6V0A2 protein (p.Glu615Lys). This variant is not present in population databases (gnomAD no frequency). This variant has not been reported in the literature in individuals affected with ATP6V0A2-related conditions. ClinVar contains an entry for this variant (Variation ID: 1389937). Advanced modeling of protein sequence and biophysical properties (such as structural, functional, and spatial information, amino acid conservation, physicochemical variation, residue mobility, and thermodynamic stability) performed at Invitae indicates that this missense variant is not expected to disrupt ATP6V0A2 protein function with a negative predictive value of 80%. In summary, the available evidence is currently insufficient to determine the role of this variant in disease. Therefore, it has been classified as a Variant of Uncertain Significance.

NM_012463.4(ATP6V0A2):c.1843G>A (p.Glu615Lys)

Genes: ATP6V0A2 (ATPase H+ transporting V0 subunit a2; plus strand), LOC126861666 (CDK7 strongly-dependent group 2 enhancer GRCh37_chr12:124232793-124233992; plus strand). Cytogenetic location: 12q24.31.
Variant type: single nucleotide variant.
Coding change: c.1843G>A on transcript NM_012463.4 (MANE Select); coding-DNA position 1843, G replaced by A.
Protein change: p.Glu615Lys; replaces glutamic acid 615 with lysine.
Molecular consequence: missense variant.
Genome position (GRCh38, 1-based): chr12:123,748,693, G>A. VCF-style: chr12-123748693-G-A. GRCh37 (hg19) VCF-style: chr12-124233240-G-A.
Other names: short protein forms E615K.
Identifiers: ClinVar variation 1389937 (VCV001389937.8), dbSNP rs2135914600, ClinGen allele CA387161214.